The following is an entry in ClinVar:

NC_000015.10:g.(?_90749357)_(90765424_?)del

Gene: BLM (BLM RecQ like helicase; plus strand). Cytogenetic location: 15q26.1.
Variant type: Deletion.
Identifiers: ClinVar variation 830859 (VCV000830859.6).

ClinVar aggregate classification (germline): Pathogenic (1 of 4 stars; one submission).

Conditions:
Bloom syndrome (BLM). Also called: Bloom-Torre-Machacek syndrome. Identifiers: Orphanet 125, MedGen C0005859, MONDO:0008876, OMIM 210900.

Submission:

Labcorp Genetics (formerly Invitae), Labcorp
Classification: Pathogenic for Bloom syndrome. Last evaluated: 2019-01-25. Review status: criteria provided, single submitter. Criteria: Invitae Variant Classification Sherloc (09022015). Collection method: clinical testing. Allele origin: germline.
Comment: For these reasons, this variant has been classified as Pathogenic. Loss-of-function variants in BLM are known to be pathogenic (PMID: 17407155). This variant has not been reported in the literature in individuals with BLM-related conditions. This variant is an out-of-frame deletion of the genomic region encompassing exons 3-9 of the BLM gene. This is expected to create a premature translational stop signal and result in an absent or disrupted protein product.

Literature cited by the submitters: PubMed 17407155.